The following is an entry in ClinVar:

ClinVar aggregate classification (germline): Conflicting classifications of pathogenicity. Review status: criteria provided, conflicting classifications (1 of 4 stars). 2 submissions from 2 submitters: Likely pathogenic (1); Uncertain significance (1). Last evaluated 2025-06-09.

Conditions:
Progressive sclerosing poliodystrophy (MTDPS4A). Also called: ALPERS PROGRESSIVE INFANTILE POLIODYSTROPHY; NEURONAL DEGENERATION OF CHILDHOOD WITH LIVER DISEASE, PROGRESSIVE; Mitochondrial DNA depletion syndrome 4A (Alpers type); Mitochondrial DNA Depletion Syndrome 4A; Alpers-Huttenlocher Syndrome (AHS); Alpers Syndrome. Identifiers: Orphanet 726, MedGen C0205710, MONDO:0008758, OMIM 203700.

gnomAD v4.1: 5 of 1,612,958 alleles (0.00031%); highest among the groups gnomAD compares: East Asian, 0.0089%; no homozygotes.

Submissions (2):

Women's Health and Genetics/Laboratory Corporation of America, LabCorp
Classification: Uncertain significance. Last evaluated: 2025-06-09. Review status: criteria provided, single submitter. Criteria: LabCorp Variant Classification Summary - May 2015. Collection method: clinical testing. Allele origin: germline.
Comment: Variant summary: POLG c.895A>C (p.Met299Leu) results in a conservative amino acid change in the encoded protein sequence. Algorithms developed to predict the effect of missense changes on protein structure and function are either unavailable or do not agree on the potential impact of this missense change. The variant was absent in 246768 control chromosomes. c.895A>C has been observed in the presumed or confirmed compound heterozygous state in at least 2 individual(s) affected with clinical features of Mitochondrial DNA Depletion Syndrome - POLG Related (example, Yasuda_2019, Tchikviladz_2015). These data indicate that the variant may be associated with disease. To our knowledge, no experimental evidence demonstrating an impact on protein function has been reported. The following publications have been ascertained in the context of this evaluation (PMID: 30385167, 25118206). ClinVar contains an entry for this variant (Variation ID: 2677945). Based on the evidence outlined above, the variant was classified as VUS-possibly pathogenic.

Baylor Genetics
Classification: Likely pathogenic for Progressive sclerosing poliodystrophy. Last evaluated: 2023-09-29. Review status: criteria provided, single submitter. Criteria: ACMG Guidelines, 2015. Collection method: clinical testing. Allele origin: unknown.

Literature cited by the submitters: PubMed 25118206 (cited by Women's Health and Genetics/Laboratory Corporation of America, LabCorp); PubMed 30385167 (cited by Women's Health and Genetics/Laboratory Corporation of America, LabCorp).

NM_002693.3(POLG):c.895A>C (p.Met299Leu)

Gene: POLG (DNA polymerase gamma, catalytic subunit; minus strand). Cytogenetic location: 15q26.1.
Variant type: single nucleotide variant.
Coding change: c.895A>C on transcript NM_002693.3 (MANE Select); coding-DNA position 895, A replaced by C.
Protein change: p.Met299Leu; replaces methionine 299 with leucine.
Molecular consequence: missense variant.
Genome position (GRCh38, 1-based): chr15:89,329,071, T>G on the plus strand (A>C on the coding strand, the complement: POLG is on the minus strand). VCF-style: chr15-89329071-T-G. GRCh37 (hg19) VCF-style: chr15-89872302-T-G.
Other names: c.895A>C, p.Met299Leu (NM_001126131.2); short protein forms M299L.
Identifiers: ClinVar variation 2677945 (VCV002677945.2), dbSNP rs140262282, ClinGen allele CA393765934.